The following is an entry in ClinVar:

NM_000548.5(TSC2):c.4661A>C (p.Gln1554Pro)

Gene: TSC2 (TSC complex subunit 2; plus strand). Cytogenetic location: 16p13.3.
Variant type: single nucleotide variant.
Coding change: c.4661A>C on transcript NM_000548.5 (MANE Select); coding-DNA position 4661, A replaced by C.
Protein change: p.Gln1554Pro; replaces glutamine 1554 with proline.
Molecular consequence: missense variant.
Genome position (GRCh38, 1-based): chr16:2,085,321, A>C. VCF-style: chr16-2085321-A-C. GRCh37 (hg19) VCF-style: chr16-2135322-A-C.
Other names: c.4460A>C, p.Gln1487Pro (NM_001077183.3); c.4592A>C, p.Gln1531Pro (NM_001114382.3); c.4352A>C, p.Gln1451Pro (NM_001318827.2); c.4316A>C, p.Gln1439Pro (NM_001318829.2); c.3929A>C, p.Gln1310Pro (NM_001318831.2); c.4493A>C, p.Gln1498Pro (NM_001318832.2); c.4463A>C, p.Gln1488Pro (NM_001363528.2); c.4529A>C, p.Gln1510Pro (NM_001370404.1); and 1 more; short protein forms Q1554P, Q1439P, Q1488P, Q1510P, Q1531P, Q1310P, Q1511P, Q1451P.
Identifiers: ClinVar variation 49866 (VCV000049866.6), dbSNP rs45473296, ClinGen allele CA020835.
Genomic context (GRCh38, chr16:2,085,321, plus strand): 5'-TCGACCAGATCCCATCATACGACACCCACAAGATCGCCGTCCTGTATGTTGGAGAAGGCC[A>C]GGTGAGGCTGCGGGGCCGGCCTAGGTGCCTGGACAGGGCCAGCTGGGCCTCAGCCTGCAG-3'
Protein context (NP_000539.2, residues 1544-1564): KIAVLYVGEG[Gln1554Pro]SNSELAILSN

ClinVar aggregate classification (germline): Conflicting classifications of pathogenicity. Review status: criteria provided, conflicting classifications (1 of 4 stars). 3 submissions from 3 submitters: Likely pathogenic (1); Uncertain significance (1). 1 of the submissions does not count toward it. Last evaluated 2024-08-17.

Conditions:
Tuberous sclerosis 2 (TSC2). Identifiers: Orphanet 805, MedGen C1860707, MONDO:0013199, OMIM 613254.
Tuberous sclerosis syndrome (TSC). Also called: Tuberous Sclerosis Complex; Tuberous sclerosis. Identifiers: Orphanet 805, MedGen C0041341, MONDO:0001734.

Submissions (3):

GeneDx
Classification: Likely pathogenic. Last evaluated: 2024-08-17. Review status: criteria provided, single submitter. Criteria: GeneDx Variant Classification Process June 2021. Collection method: clinical testing. Allele origin: germline. Affected: yes.
Comment: Not observed at significant frequency in large population cohorts (gnomAD); In silico analysis supports that this missense variant has a deleterious effect on protein structure/function; In silico analysis is inconclusive as to whether the variant alters gene splicing. In the absence of RNA/functional studies, the actual effect of this sequence change is unknown.; This variant is associated with the following publications: (PMID: 17304050, 18466115)

Labcorp Genetics (formerly Invitae), Labcorp
Classification: Uncertain significance for Tuberous sclerosis 2. Last evaluated: 2023-05-13. Review status: criteria provided, single submitter. Criteria: Invitae Variant Classification Sherloc (09022015). Collection method: clinical testing. Allele origin: germline.
Comment: ClinVar contains an entry for this variant (Variation ID: 49866). In summary, the available evidence is currently insufficient to determine the role of this variant in disease. Therefore, it has been classified as a Variant of Uncertain Significance. Algorithms developed to predict the effect of sequence changes on RNA splicing suggest that this variant may disrupt the consensus splice site. An algorithm developed to predict the effect of missense changes on protein structure and function (PolyPhen-2) suggests that this variant is likely to be disruptive. This missense change has been observed in individual(s) with clinical features of tuberous sclerosis complex (PMID: 17304050; Invitae). This variant is not present in population databases (gnomAD no frequency). This sequence change replaces glutamine, which is neutral and polar, with proline, which is neutral and non-polar, at codon 1554 of the TSC2 protein (p.Gln1554Pro).

Tuberous sclerosis database (TSC2)
No classification provided. Condition: TSC. Review status: no classification provided. Criteria: Tuberous Sclerosis Database Assertion Criteria 2015. Collection method: curation. Allele origin: germline. Affected: yes. Not counted in ClinVar's aggregate classification.

Literature cited by the submitters: PubMed 17304050 (cited by Labcorp Genetics (formerly Invitae), Labcorp).